The following is an entry in ClinVar:

NM_017849.4(TMEM127):c.478C>T (p.Gln160Ter)

Gene: TMEM127 (transmembrane protein 127; minus strand). Cytogenetic location: 2q11.2.
Variant type: single nucleotide variant.
Coding change: c.478C>T on transcript NM_017849.4 (MANE Select); coding-DNA position 478, C replaced by T.
Protein change: p.Gln160Ter; replaces glutamine 160 with a stop codon.
Molecular consequence: nonsense.
Genome position (GRCh38, 1-based): chr2:96,254,047, G>A on the plus strand (C>T on the coding strand, the complement: TMEM127 is on the minus strand). VCF-style: chr2-96254047-G-A. GRCh37 (hg19) VCF-style: chr2-96919785-G-A.
Other names: c.478C>T, p.Gln160Ter (NM_001193304.3); short protein forms Q160*.
Identifiers: ClinVar variation 652290 (VCV000652290.6), dbSNP rs1573969322, ClinGen allele CA347652838.
Genomic context (GRCh38, chr2:96,254,047, plus strand): 5'-CCAGGTAGAAGCTAACGGCGAAGGTGACATAGACCTGGGATCCATGGTACTTCTTATGCT[G>A]CTGCTGCTGGGCCAAGATGAGTTCAGAAGCCCAATAAGAAAAGCCAATGACGGTGGCACA-3'

ClinVar aggregate classification (germline): Pathogenic. Review status: criteria provided, multiple submitters, no conflicts (2 of 4 stars). 2 submissions from 2 submitters: Pathogenic (2). Last evaluated 2026-08-31.

Conditions:
Hereditary cancer-predisposing syndrome. Also called: Neoplastic Syndromes, Hereditary; Hereditary Cancer Syndrome; Hereditary neoplastic syndrome; Tumor predisposition. Identifiers: Orphanet 140162, MedGen C0027672, MeSH D009386, MONDO:0015356.
Hereditary pheochromocytoma and paraganglioma. Also called: Hereditary pheochromocytoma-paraganglioma; Hereditary Paraganglioma-Pheochromocytoma Syndromes; Hereditary paragangliomas and pheochromocytomas. Identifiers: Orphanet 29072, MedGen C4274332, MONDO:0017366.

Submissions (2):

Ambry Genetics
Classification: Pathogenic for Hereditary cancer-predisposing syndrome. Last evaluated: 2026-08-31. Review status: criteria provided, single submitter. Criteria: Ambry Variant Classification Scheme 2023. Collection method: clinical testing. Allele origin: germline.
Comment: The p.Q160* pathogenic mutation (also known as c.478C>T), located in coding exon 3 of the TMEM127 gene, results from a C to T substitution at nucleotide position 478. This changes the amino acid from a glutamine to a stop codon within coding exon 3. This variant occurs at the 3' terminus of the gene, is not expected to trigger nonsense-mediated mRNA decay, and impacts the last 33% of the protein. However, premature stop codons are typically deleterious in nature and the impacted region is critical for protein function (Ambry internal data). This variant is considered to be rare based on population cohorts in the Genome Aggregation Database (gnomAD). Based on the supporting evidence, this variant is interpreted as a disease-causing mutation.

Labcorp Genetics (formerly Invitae), Labcorp
Classification: Pathogenic for Hereditary pheochromocytoma and paraganglioma. Last evaluated: 2022-03-27. Review status: criteria provided, single submitter. Criteria: Invitae Variant Classification Sherloc (09022015). Collection method: clinical testing. Allele origin: germline.
Comment: For these reasons, this variant has been classified as Pathogenic. This sequence change creates a premature translational stop signal (p.Gln160*) in the TMEM127 gene. While this is not anticipated to result in nonsense mediated decay, it is expected to disrupt the last 79 amino acid(s) of the TMEM127 protein. This variant is not present in population databases (gnomAD no frequency). This variant has not been reported in the literature in individuals affected with TMEM127-related conditions. ClinVar contains an entry for this variant (Variation ID: 652290). This variant disrupts a region of the TMEM127 protein in which other variant(s) (p.Tyr178Leufs*48) have been determined to be pathogenic (PMID: 28384794, 28855235). This suggests that this is a clinically significant region of the protein, and that variants that disrupt it are likely to be disease-causing.

Literature cited by the submitters: PubMed 28384794 (cited by Labcorp Genetics (formerly Invitae), Labcorp); PubMed 28855235 (cited by Labcorp Genetics (formerly Invitae), Labcorp).